The following is an entry in ClinVar:

NM_003036.4(SKI):c.1550G>C (p.Gly517Ala)

Gene: SKI (SKI proto-oncogene; plus strand). Cytogenetic location: 1p36.32.
Variant type: single nucleotide variant.
Coding change: c.1550G>C on transcript NM_003036.4 (MANE Select); coding-DNA position 1550, G replaced by C.
Protein change: p.Gly517Ala; replaces glycine 517 with alanine.
Molecular consequence: missense variant.
Genome position (GRCh38, 1-based): chr1:2,304,368, G>C. VCF-style: chr1-2304368-G-C. GRCh37 (hg19) VCF-style: chr1-2235807-G-C.
Other names: short protein forms G517A.
Identifiers: ClinVar variation 3442308 (VCV003442308.1).

ClinVar aggregate classification (germline): Uncertain significance (1 of 4 stars; one submission).

Conditions:
Familial thoracic aortic aneurysm and aortic dissection (TAAD). Also called: Thoracic aortic aneurysms and dissections. Identifiers: Orphanet 91387, MedGen C4707243, MONDO:0019625.

gnomAD v4.1: 1 of 1,551,804 alleles (0.000064%); highest among the groups gnomAD compares: South Asian, 0.0012%; no homozygotes.

Submission:

Ambry Genetics
Classification: Uncertain significance for Familial thoracic aortic aneurysm and aortic dissection. Last evaluated: 2024-10-29. Review status: criteria provided, single submitter. Criteria: Ambry Variant Classification Scheme 2023. Collection method: clinical testing. Allele origin: germline.
Comment: The p.G517A variant (also known as c.1550G>C), located in coding exon 5 of the SKI gene, results from a G to C substitution at nucleotide position 1550. The glycine at codon 517 is replaced by alanine, an amino acid with similar properties. This amino acid position is conserved. In addition, the in silico prediction for this alteration is inconclusive. Based on the available evidence, the clinical significance of this variant remains unclear.